The following is an entry in ClinVar:

NM_000355.4(TCN2):c.1045G>C (p.Val349Leu)

Gene: TCN2 (transcobalamin 2; plus strand). Cytogenetic location: 22q12.2.
Variant type: single nucleotide variant.
Coding change: c.1045G>C on transcript NM_000355.4 (MANE Select); coding-DNA position 1045, G replaced by C.
Protein change: p.Val349Leu; replaces valine 349 with leucine.
Molecular consequence: missense variant.
Genome position (GRCh38, 1-based): chr22:30,617,434, G>C. VCF-style: chr22-30617434-G-C. GRCh37 (hg19) VCF-style: chr22-31013421-G-C.
Other names: c.964G>C, p.Val322Leu (NM_001184726.2); short protein forms V349L, V322L.
Identifiers: ClinVar variation 1472440 (VCV001472440.6), dbSNP rs2087628967, ClinGen allele CA411215542.
Genomic context (GRCh38, chr22:30,617,434, plus strand): 5'-ATCATCAGTGTCACGCTGCAGGTGCTTAGTCTCTTGCCGCCGTACAGACAGTCCATCTCT[G>C]TTCTGGCCGGGTCCACCGTGGAAGATGTCCTGAAGAAGGCCCATGAGTTAGGAGGATTCA-3'
Protein context (NP_000346.2, residues 339-359): LLPPYRQSIS[Val349Leu]LAGSTVEDVL

ClinVar aggregate classification (germline): Uncertain significance (1 of 4 stars; one submission).

Conditions:
Transcobalamin II deficiency (TCN2D). Also called: Transcolabamin II deficiency; TC II DEFICIENCY; TCN2 DEFICIENCY. Identifiers: Orphanet 859, MedGen C0342701, MONDO:0010149, OMIM 275350.

Allele frequency attached by ClinVar (database versions not stated): gnomAD exomes below 0.00001.
gnomAD v4.1: 1 of 1,614,134 alleles (0.000062%); highest among the groups gnomAD compares: Non-Finnish European, 0.000085%; no homozygotes.

Submission:

Labcorp Genetics (formerly Invitae), Labcorp
Classification: Uncertain significance for Transcobalamin II deficiency. Last evaluated: 2021-09-21. Review status: criteria provided, single submitter. Criteria: Invitae Variant Classification Sherloc (09022015). Collection method: clinical testing. Allele origin: germline.
Comment: Algorithms developed to predict the effect of missense changes on protein structure and function (SIFT, PolyPhen-2, Align-GVGD) all suggest that this variant is likely to be tolerated. In summary, the available evidence is currently insufficient to determine the role of this variant in disease. Therefore, it has been classified as a Variant of Uncertain Significance. This variant has not been reported in the literature in individuals affected with TCN2-related conditions. This sequence change replaces valine with leucine at codon 349 of the TCN2 protein (p.Val349Leu). The valine residue is moderately conserved and there is a small physicochemical difference between valine and leucine. This variant is not present in population databases (ExAC no frequency).